The following is an entry in ClinVar:

ClinVar aggregate classification (germline): Likely benign (1 of 4 stars; one submission).

Submission:

CeGaT Center for Human Genetics Tuebingen
Classification: Likely benign. Last evaluated: 2024-10-01. Review status: criteria provided, single submitter. Criteria: CeGaT Center For Human Genetics Tuebingen Variant Classification Criteria Version 2. Collection method: clinical testing. Allele origin: germline. Affected: yes. Observed: 3 variant alleles.
Comment: NDUFV1: BP4, BP7

NM_007103.4(NDUFV1):c.912T>G (p.Ala304=)

Gene: NDUFV1 (NADH:ubiquinone oxidoreductase core subunit V1; plus strand). Cytogenetic location: 11q13.2.
Variant type: single nucleotide variant.
Coding change: c.912T>G on transcript NM_007103.4 (MANE Select); coding-DNA position 912, T replaced by G.
Protein change: p.Ala304=; no amino-acid change (alanine 304 retained).
Molecular consequence: synonymous variant.
Genome position (GRCh38, 1-based): chr11:67,611,206, T>G. VCF-style: chr11-67611206-T-G. GRCh37 (hg19) VCF-style: chr11-67378677-T-G.
Other names: c.885T>G, p.Ala295= (NM_001166102.2).
Identifiers: ClinVar variation 2498518 (VCV002498518.28), dbSNP rs375166494, ClinGen allele CA475415571.